The following is an entry in ClinVar:

NM_004092.4(ECHS1):c.110T>C (p.Ile37Thr)

Gene: ECHS1 (enoyl-CoA hydratase, short chain 1; minus strand). Cytogenetic location: 10q26.3.
Variant type: single nucleotide variant.
Coding change: c.110T>C on transcript NM_004092.4 (MANE Select); coding-DNA position 110, T replaced by C.
Protein change: p.Ile37Thr; replaces isoleucine 37 with threonine.
Molecular consequence: missense variant.
Genome position (GRCh38, 1-based): chr10:133,370,736, A>G on the plus strand (T>C on the coding strand, the complement: ECHS1 is on the minus strand). VCF-style: chr10-133370736-A-G. GRCh37 (hg19) VCF-style: chr10-135184240-A-G.
Other names: c.110T>C (NM_004092.3); short protein forms I37T.
Identifiers: ClinVar variation 1390247 (VCV001390247.4), dbSNP rs370541567, ClinGen allele CA5765873.

ClinVar aggregate classification (germline): Uncertain significance. Review status: criteria provided, multiple submitters, no conflicts (2 of 4 stars). 2 submissions from 2 submitters: Uncertain significance (2). Last evaluated 2022-07-15.

Conditions:
Inborn genetic diseases. Identifiers: MedGen C0950123, MeSH D030342.

Allele frequency attached by ClinVar (database versions not stated): gnomAD 0.00002; gnomAD exomes 0.00002 and 0.00003; TOPMed 0.00002; ExAC 0.00005; ESP Exome Variant Server 0.00015.

Submissions (2):

Labcorp Genetics (formerly Invitae), Labcorp
Classification: Uncertain significance. Last evaluated: 2022-07-15. Review status: criteria provided, single submitter. Criteria: Invitae Variant Classification Sherloc (09022015). Collection method: clinical testing. Allele origin: germline.
Comment: This sequence change replaces isoleucine, which is neutral and non-polar, with threonine, which is neutral and polar, at codon 37 of the ECHS1 protein (p.Ile37Thr). This variant is present in population databases (rs370541567, gnomAD 0.006%). This variant has not been reported in the literature in individuals affected with ECHS1-related conditions. ClinVar contains an entry for this variant (Variation ID: 1390247). Advanced modeling of protein sequence and biophysical properties (such as structural, functional, and spatial information, amino acid conservation, physicochemical variation, residue mobility, and thermodynamic stability) performed at Invitae indicates that this missense variant is expected to disrupt ECHS1 protein function. In summary, the available evidence is currently insufficient to determine the role of this variant in disease. Therefore, it has been classified as a Variant of Uncertain Significance.

Ambry Genetics
Classification: Uncertain significance for Inborn genetic diseases. Last evaluated: 2021-10-14. Review status: criteria provided, single submitter. Criteria: Ambry Variant Classification Scheme 2023. Collection method: clinical testing. Allele origin: germline.